The following is an entry in ClinVar:

ClinVar aggregate classification (germline): Pathogenic/Likely pathogenic. Review status: criteria provided, multiple submitters, no conflicts (2 of 4 stars). 3 submissions from 3 submitters: Pathogenic (1); Likely pathogenic (2). Last evaluated 2024-05-07.

Conditions:
Autosomal recessive congenital ichthyosis 2 (ARCI2). Identifiers: Orphanet 281122, Orphanet 79394, MedGen C3888093, MONDO:0009439, OMIM 242100.
Lamellar ichthyosis. Identifiers: Orphanet 313, MedGen C5848247, MONDO:0017778.

gnomAD v4.1: 1 of 1,614,156 alleles (0.000062%); highest among the groups gnomAD compares: Middle Eastern, 0.016%; no homozygotes.

Submissions (3):

Fulgent Genetics
Classification: Likely pathogenic for Autosomal recessive congenital ichthyosis 2. Last evaluated: 2024-05-07. Review status: criteria provided, single submitter. Criteria: ACMG Guidelines, 2015. Collection method: clinical testing. Allele origin: germline.

Labcorp Genetics (formerly Invitae), Labcorp
Classification: Pathogenic. Last evaluated: 2023-05-22. Review status: criteria provided, single submitter. Criteria: Invitae Variant Classification Sherloc (09022015). Collection method: clinical testing. Allele origin: germline.
Comment: Variants that disrupt the consensus splice site are a relatively common cause of aberrant splicing (PMID: 17576681, 9536098). Algorithms developed to predict the effect of sequence changes on RNA splicing suggest that this variant may disrupt the consensus splice site. For these reasons, this variant has been classified as Pathogenic. This variant disrupts a region of the ALOX12B protein in which other variant(s) (p.Gln671Argfs*24) have been determined to be pathogenic (PMID: 23621129; Invitae). This suggests that this is a clinically significant region of the protein, and that variants that disrupt it are likely to be disease-causing. ClinVar contains an entry for this variant (Variation ID: 1380312). This variant has not been reported in the literature in individuals affected with ALOX12B-related conditions. This variant is not present in population databases (gnomAD no frequency). This sequence change affects a donor splice site in intron 14 of the ALOX12B gene. While this variant is not anticipated to result in nonsense mediated decay, it likely alters RNA splicing and results in a disrupted protein product.

Women's Health and Genetics/Laboratory Corporation of America, LabCorp
Classification: Likely pathogenic for Lamellar ichthyosis. Last evaluated: 2022-07-30. Review status: criteria provided, single submitter. Criteria: LabCorp Variant Classification Summary - May 2015. Collection method: clinical testing. Allele origin: germline.
Comment: Variant summary: ALOX12B c.1926+1G>A is located in a canonical splice-site and is predicted to affect mRNA splicing resulting in a significantly altered protein due to either exon skipping, shortening, or inclusion of intronic material. Several computational tools predict a significant impact on normal splicing: Four predict the variant abolishes the canonical 5' splicing donor site. However, these predictions have yet to be confirmed by functional studies. The variant was absent in 250978 control chromosomes. To our knowledge, no occurrence of c.1926+1G>A in individuals affected with Lamellar Ichthyosis and no experimental evidence demonstrating its impact on protein function have been reported. One clinical diagnostic laboratory has submitted clinical-significance assessments for this variant to ClinVar after 2014 and classified the variant as pathogenic. Based on the evidence outlined above, the variant was classified as likely pathogenic.

Literature cited by the submitters: PubMed 17576681 (cited by Labcorp Genetics (formerly Invitae), Labcorp); PubMed 9536098 (cited by Labcorp Genetics (formerly Invitae), Labcorp); PubMed 23621129 (cited by Labcorp Genetics (formerly Invitae), Labcorp).

NM_001139.3(ALOX12B):c.1926+1G>A

Gene: ALOX12B (arachidonate 12-lipoxygenase, 12R type; minus strand). Cytogenetic location: 17p13.1.
Variant type: single nucleotide variant.
Coding change: c.1926+1G>A on transcript NM_001139.3 (MANE Select); the canonical splice donor site of the intron after coding-DNA position 1926, G replaced by A.
Molecular consequence: splice donor variant.
Genome position (GRCh38, 1-based): chr17:8,073,147, C>T on the plus strand (G>A on the coding strand, the complement: ALOX12B is on the minus strand). VCF-style: chr17-8073147-C-T. GRCh37 (hg19) VCF-style: chr17-7976465-C-T.
Identifiers: ClinVar variation 1380312 (VCV001380312.8), dbSNP rs2151820983, ClinGen allele CA397985957.
Genomic context (GRCh38, chr17:8,073,147, plus strand): 5'-TCCCCCATCCCCGGCTTCTGGTCCCCTCCCTGTGCTCAGAGTCCCCCATCCCGTCTCGCA[C>T]CCTGTCGTCAGGCTCTCGGCTGAGGGTCCAGAGCACCAGCAGCGTGATGCACGTGGTCTT-3'